The following is an entry in ClinVar:

NM_014727.3(KMT2B):c.586C>T (p.Leu196Phe)

Gene: KMT2B (lysine methyltransferase 2B; plus strand). Cytogenetic location: 19q13.12.
Variant type: single nucleotide variant.
Coding change: c.586C>T on transcript NM_014727.3 (MANE Select); coding-DNA position 586, C replaced by T.
Protein change: p.Leu196Phe; replaces leucine 196 with phenylalanine.
Molecular consequence: missense variant.
Genome position (GRCh38, 1-based): chr19:35,719,933, C>T. VCF-style: chr19-35719933-C-T. GRCh37 (hg19) VCF-style: chr19-36210835-C-T.
Other names: c.586C>T (NM_014727.2, NM_014727.1); short protein forms L196F.
Identifiers: ClinVar variation 2184058 (VCV002184058.6), dbSNP rs750375219, ClinGen allele CA9384065.

ClinVar aggregate classification (germline): Likely benign. Review status: criteria provided, multiple submitters, no conflicts (2 of 4 stars). 3 submissions from 3 submitters: Likely benign (3). Last evaluated 2025-10-23.

Conditions:
KMT2B-related disorder. Also called: KMT2B-related disorders; KMT2B-related condition. Identifiers: MedGen CN381338.
Inborn genetic diseases. Identifiers: MedGen C0950123, MeSH D030342.

Allele frequency attached by ClinVar (database versions not stated): gnomAD 0.00003; TOPMed 0.00003; ExAC 0.00007.
gnomAD v4.1: 58 of 1,613,290 alleles (0.0036%); highest among the groups gnomAD compares: Admixed American, 0.0017%; no homozygotes.

Submissions (3):

Labcorp Genetics (formerly Invitae), Labcorp
Classification: Likely benign. Last evaluated: 2025-10-23. Review status: criteria provided, single submitter. Criteria: Invitae Variant Classification Sherloc (09022015). Collection method: clinical testing. Allele origin: germline.

PreventionGenetics, part of Exact Sciences
Classification: Likely benign for KMT2B-related condition. Last evaluated: 2025-04-18. Review status: criteria provided, single submitter. Criteria: ACMG Guidelines, 2015. Collection method: clinical testing. Allele origin: germline.
Comment: This variant is classified as likely benign based on ACMG/AMP sequence variant interpretation guidelines (Richards et al. 2015 PMID: 25741868, with internal and published modifications).

Ambry Genetics
Classification: Likely benign for Inborn genetic diseases. Last evaluated: 2022-10-04. Review status: criteria provided, single submitter. Criteria: Ambry Variant Classification Scheme 2023. Collection method: clinical testing. Allele origin: germline.